The following is an entry in ClinVar:

ClinVar aggregate classification (germline): Uncertain significance. Review status: criteria provided, multiple submitters, no conflicts (2 of 4 stars). 2 submissions from 2 submitters: Uncertain significance (2). Last evaluated 2025-08-23.

gnomAD v4.1: 3 of 1,613,694 alleles (0.00019%); highest among the groups gnomAD compares: Non-Finnish European, 0.00025%; no homozygotes.

Submissions (2):

Labcorp Genetics (formerly Invitae), Labcorp
Classification: Uncertain significance. Last evaluated: 2025-08-23. Review status: criteria provided, single submitter. Criteria: Invitae Variant Classification Sherloc (09022015). Collection method: clinical testing. Allele origin: germline.
Comment: This sequence change replaces glycine, which is neutral and non-polar, with cysteine, which is neutral and slightly polar, at codon 442 of the COL9A3 protein (p.Gly442Cys). This variant is present in population databases (no rsID available, gnomAD 0.007%). This variant has not been reported in the literature in individuals affected with COL9A3-related conditions. An algorithm developed to predict the effect of missense changes on protein structure and function (PolyPhen-2) suggests that this variant is likely to be disruptive. In summary, the available evidence is currently insufficient to determine the role of this variant in disease. Therefore, it has been classified as a Variant of Uncertain Significance.

Blueprint Genetics
Classification: Uncertain significance. Last evaluated: 2020-06-29. Review status: criteria provided, single submitter. Criteria: ACMG Guidelines, 2015. Collection method: clinical testing. Allele origin: germline.

NM_001853.4(COL9A3):c.1324G>T (p.Gly442Cys)

Gene: COL9A3 (collagen type IX alpha 3 chain; plus strand). Cytogenetic location: 20q13.33.
Variant type: single nucleotide variant.
Coding change: c.1324G>T on transcript NM_001853.4 (MANE Select); coding-DNA position 1324, G replaced by T.
Protein change: p.Gly442Cys; replaces glycine 442 with cysteine.
Molecular consequence: missense variant.
Genome position (GRCh38, 1-based): chr20:62,833,020, G>T. VCF-style: chr20-62833020-G-T. GRCh37 (hg19) VCF-style: chr20-61464372-G-T.
Other names: short protein forms G442C.
Identifiers: ClinVar variation 4725627 (VCV004725627.2).
Genomic context (GRCh38, chr20:62,833,020, plus strand): 5'-GCATGAAGTCCCTACTCATGCATGAACAGCTCTTTTAACTTTGGGGTGTATCGTTTTCAG[G>T]GTATTGCAGGTTCCGACGGTCTTCCTGGGGATAAAGGAGAACTGGTGAGTAATTAGGTAA-3'
Protein context (NP_001844.3, residues 432-452): GGAAGPKGDQ[Gly442Cys]IAGSDGLPGD